The following is an entry in ClinVar:

NM_000308.4(CTSA):c.1031C>T (p.Pro344Leu)

Gene: CTSA (cathepsin A; plus strand). Cytogenetic location: 20q13.12.
Variant type: single nucleotide variant.
Coding change: c.1031C>T on transcript NM_000308.4 (MANE Select); coding-DNA position 1031, C replaced by T.
Protein change: p.Pro344Leu; replaces proline 344 with leucine.
Molecular consequence: missense variant. On other transcripts: non-coding transcript variant (1).
Genome position (GRCh38, 1-based): chr20:45,895,076, C>T. VCF-style: chr20-45895076-C-T. GRCh37 (hg19) VCF-style: chr20-44523715-C-T.
Other names: c.1031C>T, p.Pro344Leu (NM_001127695.3); c.980C>T, p.Pro327Leu (NM_001167594.3); short protein forms P344L, P327L.
Identifiers: ClinVar variation 895745 (VCV000895745.8), dbSNP rs368108194, ClinGen allele CA9883251.

ClinVar aggregate classification (germline): Uncertain significance. Review status: criteria provided, multiple submitters, no conflicts (2 of 4 stars). 2 submissions from 2 submitters: Uncertain significance (2). Last evaluated 2022-02-10.

Conditions:
Combined deficiency of sialidase AND beta galactosidase (GSL). Also called: CATHEPSIN A DEFICIENCY; GOLDBERG SYNDROME; NEURAMINIDASE DEFICIENCY WITH BETA-GALACTOSIDASE DEFICIENCY; NEURAMINIDASE/BETA-GALACTOSIDASE EXPRESSION; PPCA DEFICIENCY; PROTECTIVE PROTEIN/CATHEPSIN A DEFICIENCY. Identifiers: Orphanet 351, MedGen C0268233, MONDO:0009737, OMIM 256540.

Allele frequency attached by ClinVar (database versions not stated): gnomAD exomes 0.00003 and 0.00005; ExAC 0.00005; gnomAD 0.00008 and 0.00009; TOPMed 0.00013; ESP Exome Variant Server 0.00015.
gnomAD v4.1: 61 of 1,614,042 alleles (0.0038%); highest among the groups gnomAD compares: African/African-American, 0.012%; no homozygotes.

Submissions (2):

Labcorp Genetics (formerly Invitae), Labcorp
Classification: Uncertain significance for Combined deficiency of sialidase AND beta galactosidase. Last evaluated: 2022-02-10. Review status: criteria provided, single submitter. Criteria: Invitae Variant Classification Sherloc (09022015). Collection method: clinical testing. Allele origin: germline.
Comment: This sequence change replaces proline, which is neutral and non-polar, with leucine, which is neutral and non-polar, at codon 362 of the CTSA protein (p.Pro362Leu). This variant is present in population databases (rs368108194, gnomAD 0.02%). This variant has not been reported in the literature in individuals affected with CTSA-related conditions. ClinVar contains an entry for this variant (Variation ID: 895745). Algorithms developed to predict the effect of missense changes on protein structure and function output the following: SIFT: "Not Available"; PolyPhen-2: "Benign"; Align-GVGD: "Not Available". The leucine amino acid residue is found in multiple mammalian species, which suggests that this missense change does not adversely affect protein function. In summary, the available evidence is currently insufficient to determine the role of this variant in disease. Therefore, it has been classified as a Variant of Uncertain Significance.

Illumina Laboratory Services, Illumina
Classification: Uncertain significance for Combined deficiency of sialidase AND beta galactosidase. Last evaluated: 2018-01-12. Review status: criteria provided, single submitter. Criteria: ICSL Variant Classification Criteria 13 December 2019. Collection method: clinical testing. Allele origin: germline.